The following is an entry in ClinVar:

NM_001127644.2(GABRA1):c.602A>G (p.Glu201Gly)

Gene: GABRA1 (gamma-aminobutyric acid type A receptor subunit alpha1; plus strand). Cytogenetic location: 5q34.
Variant type: single nucleotide variant.
Coding change: c.602A>G on transcript NM_001127644.2 (MANE Select); coding-DNA position 602, A replaced by G.
Protein change: p.Glu201Gly; replaces glutamic acid 201 with glycine.
Molecular consequence: missense variant.
Genome position (GRCh38, 1-based): chr5:161,882,600, A>G. VCF-style: chr5-161882600-A-G. GRCh37 (hg19) VCF-style: chr5-161309606-A-G.
Other names: c.602A>G, p.Glu201Gly (NM_000806.5, NM_001127643.2, NM_001127645.2 and 1 more transcripts); short protein forms E201G.
Identifiers: ClinVar variation 956330 (VCV000956330.9), dbSNP rs765292293, ClinGen allele CA3544472.

ClinVar aggregate classification (germline): Uncertain significance. Review status: criteria provided, multiple submitters, no conflicts (2 of 4 stars). 2 submissions from 2 submitters: Uncertain significance (2). Last evaluated 2026-09-01.

Conditions:
Idiopathic generalized epilepsy. Also called: EIG; Generalised epilepsy. Identifiers: MedGen C0270850, MONDO:0005579, OMIM 600669.
Epilepsy, childhood absence 4 (ECA4). Also called: EPILEPSY, CHILDHOOD ABSENCE, SUSCEPTIBILITY TO, 4. Identifiers: Orphanet 307, MedGen C1970160.
Epilepsy, idiopathic generalized, susceptibility to, 13. Also called: EPILEPSY, JUVENILE MYOCLONIC, SUSCEPTIBILITY TO, 5. Identifiers: Orphanet 307, Orphanet 64280, MedGen C4013473, MONDO:0012627, OMIM 611136.
Inborn genetic diseases. Identifiers: MedGen C0950123, MeSH D030342.

Allele frequency attached by ClinVar (database versions not stated): ExAC 0.00001; gnomAD 0.00001; gnomAD exomes 0.00001.
gnomAD v4.1: 18 of 1,613,584 alleles (0.0011%); highest among the groups gnomAD compares: Non-Finnish European, 0.0015%; no homozygotes.

Submissions (2):

Ambry Genetics
Classification: Uncertain significance for Inborn genetic diseases. Last evaluated: 2026-09-01. Review status: criteria provided, single submitter. Criteria: Ambry Variant Classification Scheme 2023. Collection method: clinical testing. Allele origin: germline.
Comment: The c.602A>G (p.E201G) alteration is located in exon 8 (coding exon 6) of the GABRA1 gene. This alteration results from a A to G substitution at nucleotide position 602, causing the glutamic acid (E) at amino acid position 201 to be replaced by a glycine (G). Based on data from gnomAD, the G allele has an overall frequency of 0.001% (4/282404) total alleles studied. The highest observed frequency was 0.003% (4/128956) of European (non-Finnish) alleles. Based on insufficient or conflicting evidence, the clinical significance of this alteration remains unclear.

Labcorp Genetics (formerly Invitae), Labcorp
Classification: Uncertain significance for Epilepsy, childhood absence 4; Epilepsy, idiopathic generalized, susceptibility to, 13; Idiopathic generalized epilepsy. Last evaluated: 2025-07-18. Review status: criteria provided, single submitter. Criteria: Invitae Variant Classification Sherloc (09022015). Collection method: clinical testing. Allele origin: germline.
Comment: This sequence change replaces glutamic acid, which is acidic and polar, with glycine, which is neutral and non-polar, at codon 201 of the GABRA1 protein (p.Glu201Gly). This variant is present in population databases (rs765292293, gnomAD 0.002%). This variant has not been reported in the literature in individuals affected with GABRA1-related conditions. ClinVar contains an entry for this variant (Variation ID: 956330). Invitae Evidence Modeling of protein sequence and biophysical properties (such as structural, functional, and spatial information, amino acid conservation, physicochemical variation, residue mobility, and thermodynamic stability) indicates that this missense variant is not expected to disrupt GABRA1 protein function with a negative predictive value of 80%. In summary, the available evidence is currently insufficient to determine the role of this variant in disease. Therefore, it has been classified as a Variant of Uncertain Significance.